The following is an entry in ClinVar:

NM_003850.3(SUCLA2):c.1046G>T (p.Gly349Val)

Gene: SUCLA2 (succinate-CoA ligase ADP-forming subunit beta; minus strand). Cytogenetic location: 13q14.2.
Variant type: single nucleotide variant.
Coding change: c.1046G>T on transcript NM_003850.3 (MANE Select); coding-DNA position 1046, G replaced by T.
Protein change: p.Gly349Val; replaces glycine 349 with valine.
Molecular consequence: missense variant.
Genome position (GRCh38, 1-based): chr13:47,954,201, C>A on the plus strand (G>T on the coding strand, the complement: SUCLA2 is on the minus strand). VCF-style: chr13-47954201-C-A. GRCh37 (hg19) VCF-style: chr13-48528336-C-A.
Other names: short protein forms G349V.
Identifiers: ClinVar variation 1923736 (VCV001923736.5), dbSNP rs1245036990, ClinGen allele CA388145280.

ClinVar aggregate classification (germline): Uncertain significance (1 of 4 stars; one submission).

Conditions:
Mitochondrial DNA depletion syndrome, encephalomyopathic form with methylmalonic aciduria (MTDPS5). Also called: SUCLA2-Related Mitochondrial DNA Depletion Syndrome, Encephalomyopathic Form with Methylmalonic Aciduria; Mitochondrial encephalomyopathy aminoacidopathy; MITOCHONDRIAL DNA DEPLETION SYNDROME, ENCEPHALOMYOPATHIC FORM, WITH OR WITHOUT METHYLMALONIC ACIDURIA, AUTOSOMAL RECESSIVE, SUCLA2-RELATED; Mitochondrial DNA depletion syndrome 5 (encephalomyopathic with or without methylmalonic aciduria). Identifiers: Orphanet 1933, MedGen C5980207, MONDO:0012791, OMIM 612073.

Submission:

Labcorp Genetics (formerly Invitae), Labcorp
Classification: Uncertain significance for Mitochondrial DNA depletion syndrome, encephalomyopathic form with methylmalonic aciduria. Last evaluated: 2021-12-24. Review status: criteria provided, single submitter. Criteria: Invitae Variant Classification Sherloc (09022015). Collection method: clinical testing. Allele origin: germline.
Comment: Algorithms developed to predict the effect of missense changes on protein structure and function (SIFT, PolyPhen-2, Align-GVGD) all suggest that this variant is likely to be disruptive. This sequence change replaces glycine, which is neutral and non-polar, with valine, which is neutral and non-polar, at codon 349 of the SUCLA2 protein (p.Gly349Val). This variant is present in population databases (no rsID available, gnomAD 0.006%). This variant has not been reported in the literature in individuals affected with SUCLA2-related conditions. In summary, the available evidence is currently insufficient to determine the role of this variant in disease. Therefore, it has been classified as a Variant of Uncertain Significance.